The following is an entry in ClinVar:

ClinVar aggregate classification (germline): Uncertain significance (1 of 4 stars; one submission).

Allele frequency attached by ClinVar (database versions not stated): gnomAD exomes below 0.00001; ExAC 0.00001; gnomAD 0.00001.
gnomAD v4.1: 4 of 1,613,922 alleles (0.00025%); highest among the groups gnomAD compares: Non-Finnish European, 0.00025%; no homozygotes.

Submission:

Labcorp Genetics (formerly Invitae), Labcorp
Classification: Uncertain significance. Last evaluated: 2022-03-18. Review status: criteria provided, single submitter. Criteria: Invitae Variant Classification Sherloc (09022015). Collection method: clinical testing. Allele origin: germline.
Comment: Algorithms developed to predict the effect of missense changes on protein structure and function are either unavailable or do not agree on the potential impact of this missense change (SIFT: "Deleterious"; PolyPhen-2: "Benign"; Align-GVGD: "Class C0"). This sequence change replaces valine, which is neutral and non-polar, with methionine, which is neutral and non-polar, at codon 560 of the EFTUD2 protein (p.Val560Met). This variant is present in population databases (rs746429473, gnomAD 0.0009%). This variant has not been reported in the literature in individuals affected with EFTUD2-related conditions. In summary, the available evidence is currently insufficient to determine the role of this variant in disease. Therefore, it has been classified as a Variant of Uncertain Significance.

NM_004247.4(EFTUD2):c.1678G>A (p.Val560Met)

Gene: EFTUD2 (elongation factor Tu GTP binding domain containing 2; minus strand). Cytogenetic location: 17q21.31.
Variant type: single nucleotide variant.
Coding change: c.1678G>A on transcript NM_004247.4 (MANE Select); coding-DNA position 1678, G replaced by A.
Protein change: p.Val560Met; replaces valine 560 with methionine.
Molecular consequence: missense variant.
Genome position (GRCh38, 1-based): chr17:44,860,473, C>T on the plus strand (G>A on the coding strand, the complement: EFTUD2 is on the minus strand). VCF-style: chr17-44860473-C-T. GRCh37 (hg19) VCF-style: chr17-42937841-C-T.
Other names: c.1573G>A, p.Val525Met (NM_001142605.2); c.1678G>A, p.Val560Met (NM_001258353.2); c.1648G>A, p.Val550Met (NM_001258354.2); short protein forms V560M, V550M, V525M.
Identifiers: ClinVar variation 1360943 (VCV001360943.8), dbSNP rs746429473, ClinGen allele CA8607711.
Genomic context (GRCh38, chr17:44,860,473, plus strand): 5'-GTCTCTTCAGAAACTCTACCTCCTCATTGCCTCGGGGTTCGGTTATGGTTGCTGTCTTCA[C>T]AATTGGTTGATCAACACCTTCAATCAGAACCCAGTTGCCAGCAGGAACACGGTTCACCTC-3'
Protein context (NP_004238.3, residues 550-570): VLIEGVDQPI[Val560Met]KTATITEPRG